The following is an entry in ClinVar:

ClinVar aggregate classification (germline): Uncertain significance (1 of 4 stars; one submission).

Conditions:
Ehlers-Danlos syndrome, type 4 (EDSVASC). Also called: Ehlers-Danlos syndrome vascular type; Ehlers Danlos syndrome, ecchymotic type; Ehlers Danlos syndrome, arterial type; Ehlers Danlos syndrome, Sack-Barabas type; Ehlers-Danlos Syndrome Type IV. Identifiers: Orphanet 286, MedGen C0268338, MONDO:0017314, OMIM 130050.

gnomAD v4.1: 3 of 1,613,876 alleles (0.00019%); highest among the groups gnomAD compares: Non-Finnish European, 0.00017%; no homozygotes.

Submission:

Labcorp Genetics (formerly Invitae), Labcorp
Classification: Uncertain significance for Ehlers-Danlos syndrome, type 4. Last evaluated: 2021-08-31. Review status: criteria provided, single submitter. Criteria: Invitae Variant Classification Sherloc (09022015). Collection method: clinical testing. Allele origin: germline.
Comment: This sequence change replaces glutamine with histidine at codon 928 of the COL3A1 protein (p.Gln928His). The glutamine residue is moderately conserved and there is a small physicochemical difference between glutamine and histidine. This variant is not present in population databases (ExAC no frequency). This variant has not been reported in the literature in individuals affected with COL3A1-related conditions. Algorithms developed to predict the effect of missense changes on protein structure and function are either unavailable or do not agree on the potential impact of this missense change (SIFT: "Tolerated"; PolyPhen-2: "Probably Damaging"; Align-GVGD: "Class C0"). In summary, the available evidence is currently insufficient to determine the role of this variant in disease. Therefore, it has been classified as a Variant of Uncertain Significance.

NM_000090.4(COL3A1):c.2784A>C (p.Gln928His)

Gene: COL3A1 (collagen type III alpha 1 chain; plus strand). Cytogenetic location: 2q32.2.
Variant type: single nucleotide variant.
Coding change: c.2784A>C on transcript NM_000090.4 (MANE Select); coding-DNA position 2784, A replaced by C.
Protein change: p.Gln928His; replaces glutamine 928 with histidine.
Molecular consequence: missense variant.
Genome position (GRCh38, 1-based): chr2:189,004,104, A>C. VCF-style: chr2-189004104-A-C. GRCh37 (hg19) VCF-style: chr2-189868830-A-C.
Other names: short protein forms Q928H.
Identifiers: ClinVar variation 1051121 (VCV001051121.8), dbSNP rs2153503501, ClinGen allele CA349844160.
Genomic context (GRCh38, chr2:189,004,104, plus strand): 5'-GGGTAACACTGGTGCTCCTGGCAGCCCTGGAGTGTCTGGACCAAAAGGTGATGCTGGCCA[A>C]CCAGGAGAGAAGGGATCGCCTGGTGCCCAGGGCCCACCAGTAAGTAACTTCATTTTTTTA-3'
Protein context (NP_000081.2, residues 918-938): GVSGPKGDAG[Gln928His]PGEKGSPGAQ